The following is an entry in ClinVar:

ClinVar aggregate classification (germline): Uncertain significance (1 of 4 stars; one submission).

Conditions:
Cardiovascular phenotype. Identifiers: MedGen CN230736.

Submission:

Ambry Genetics
Classification: Uncertain significance for Cardiovascular phenotype. Last evaluated: 2023-01-14. Review status: criteria provided, single submitter. Criteria: Ambry Variant Classification Scheme 2023. Collection method: clinical testing. Allele origin: germline.
Comment: The p.V2168L variant (also known as c.6502G>C), located in coding exon 40 of the FLNC gene, results from a G to C substitution at nucleotide position 6502. The valine at codon 2168 is replaced by leucine, an amino acid with highly similar properties. This amino acid position is conserved. In addition, the in silico prediction for this alteration is inconclusive. Since supporting evidence is limited at this time, the clinical significance of this alteration remains unclear.

NM_001458.5(FLNC):c.6502G>C (p.Val2168Leu)

Genes: FLNC (filamin C; plus strand), FLNC-AS1 (FLNC antisense RNA 1; minus strand). Cytogenetic location: 7q32.1.
Variant type: single nucleotide variant.
Coding change: c.6502G>C on transcript NM_001458.5 (MANE Select); coding-DNA position 6502, G replaced by C.
Protein change: p.Val2168Leu; replaces valine 2168 with leucine.
Molecular consequence: missense variant.
Genome position (GRCh38, 1-based): chr7:128,853,991, G>C. VCF-style: chr7-128853991-G-C. GRCh37 (hg19) VCF-style: chr7-128494045-G-C.
Other names: c.6403G>C, p.Val2135Leu (NM_001127487.2); short protein forms V2168L, V2135L.
Identifiers: ClinVar variation 2450893 (VCV002450893.2), dbSNP rs1249871639, ClinGen allele CA369212702.